The following is an entry in ClinVar:

NM_001371623.1(TCOF1):c.462del (p.Lys155fs)

Gene: TCOF1 (treacle ribosome biogenesis factor 1; plus strand). Cytogenetic location: 5q32.
Variant type: Deletion.
Coding change: c.462del on transcript NM_001371623.1 (MANE Select); coding-DNA position 462, one base deleted (G; older notation c.462delG).
Protein change: p.Lys155fs; shifts the reading frame from lysine 155.
Molecular consequence: frameshift variant.
Genome position (GRCh38, 1-based): chr5:150,368,799, G deleted; the last of 3 consecutive G bases (chr5:150,368,797-150,368,799); deleting any one gives the same sequence. VCF-style (leftmost placement, unchanged base first): chr5-150368796-TG-T. GRCh37 (hg19) VCF-style: chr5-149748359-TG-T.
Other names: c.462del, p.Lys155fs (NM_000356.4, NM_001008657.3, NM_001135243.2 and 3 more transcripts); short protein forms K155fs.
Identifiers: ClinVar variation 1403903 (VCV001403903.6), dbSNP rs2150555861, ClinGen allele CA2573139295.

ClinVar aggregate classification (germline): Pathogenic (1 of 4 stars; one submission).

Conditions:
Treacher Collins syndrome 1 (TCS1). Also called: TCOF1-Related Treacher Collins Syndrome. Identifiers: Orphanet 861, MedGen CN315775, MONDO:0007944, OMIM 154500.

Submission:

Labcorp Genetics (formerly Invitae), Labcorp
Classification: Pathogenic for Treacher Collins syndrome 1. Last evaluated: 2021-04-09. Review status: criteria provided, single submitter. Criteria: Invitae Variant Classification Sherloc (09022015). Collection method: clinical testing. Allele origin: germline.
Comment: For these reasons, this variant has been classified as Pathogenic. This variant has not been reported in the literature in individuals with TCOF1-related conditions. This variant is not present in population databases (ExAC no frequency). This sequence change creates a premature translational stop signal (p.Lys155Serfs*64) in the TCOF1 gene. It is expected to result in an absent or disrupted protein product. Loss-of-function variants in TCOF1 are known to be pathogenic (PMID: 8894686, 22317976).

Literature cited by the submitters: PubMed 8894686; PubMed 22317976.